The following is an entry in ClinVar:

ClinVar aggregate classification (germline): Uncertain significance (1 of 4 stars; one submission).

Submission:

Labcorp Genetics (formerly Invitae), Labcorp
Classification: Uncertain significance. Last evaluated: 2021-05-09. Review status: criteria provided, single submitter. Criteria: Invitae Variant Classification Sherloc (09022015). Collection method: clinical testing. Allele origin: germline.
Comment: In summary, the available evidence is currently insufficient to determine the role of this variant in disease. Therefore, it has been classified as a Variant of Uncertain Significance. Algorithms developed to predict the effect of missense changes on protein structure and function (SIFT, PolyPhen-2, Align-GVGD) all suggest that this variant is likely to be tolerated, but these predictions have not been confirmed by published functional studies and their clinical significance is uncertain. This variant has not been reported in the literature in individuals with TBCK-related conditions. This variant is not present in population databases (ExAC no frequency). This sequence change replaces alanine with serine at codon 422 of the TBCK protein (p.Ala422Ser). The alanine residue is moderately conserved and there is a moderate physicochemical difference between alanine and serine.

NM_001163435.3(TBCK):c.1264G>T (p.Ala422Ser)

Gene: TBCK (TBC1 domain containing kinase; minus strand). Cytogenetic location: 4q24.
Variant type: single nucleotide variant.
Coding change: c.1264G>T on transcript NM_001163435.3 (MANE Select); coding-DNA position 1264, G replaced by T.
Protein change: p.Ala422Ser; replaces alanine 422 with serine.
Molecular consequence: missense variant.
Genome position (GRCh38, 1-based): chr4:106,236,476, C>A on the plus strand (G>T on the coding strand, the complement: TBCK is on the minus strand). VCF-style: chr4-106236476-C-A. GRCh37 (hg19) VCF-style: chr4-107157633-C-A.
Other names: c.1264G>T, p.Ala422Ser (NM_001163436.4); c.1147G>T, p.Ala383Ser (NM_001163437.3); c.748G>T, p.Ala250Ser (NM_001290768.2); c.1075G>T, p.Ala359Ser (NM_033115.5); short protein forms A359S, A250S, A383S, A422S.
Identifiers: ClinVar variation 1504715 (VCV001504715.8), dbSNP rs1759475732, ClinGen allele CA357823296.